The following is an entry in ClinVar:

NM_000179.3(MSH6):c.1506_1507dup (p.Ser503fs)

Gene: MSH6 (mutS homolog 6; plus strand). Cytogenetic location: 2p16.3.
Variant type: Microsatellite.
Coding change: c.1506_1507dup on transcript NM_000179.3 (MANE Select); coding-DNA positions 1506 to 1507, 2 bases duplicated (AT; older notation c.1506_1507dupAT).
Protein change: p.Ser503fs; shifts the reading frame from serine 503.
Molecular consequence: frameshift variant. On other transcripts: non-coding transcript variant (4), intron variant (1).
Genome position (GRCh38, 1-based): chr2:47,799,489-47,799,490, AT duplicated; duplicating any 2 consecutive bases within chr2:47,799,485-47,799,490 gives the same sequence; the c. name uses the placement nearest the transcript's 3' end. VCF-style (leftmost placement, unchanged base first): chr2-47799484-C-CAT. GRCh37 (hg19) VCF-style: chr2-48026623-C-CAT.
Other names: c.600_601dup, p.Ser201fs (NM_001406815.1, NM_001406816.1, NM_001406823.1 and 6 more transcripts); c.1506_1507dup, p.Ser503fs (NM_001406817.1, NM_001406796.1, NM_001406798.1 and 4 more transcripts); c.1209_1210dup, p.Ser404fs (NM_001406818.1, NM_001406819.1, NM_001406820.1 and 10 more transcripts); c.1338_1339dup, p.Ser447fs (NM_001406826.1); c.628-1181AT[4] (NM_001407362.1); c.1116_1117dup, p.Ser373fs (NM_001281492.2); c.1602_1603dup, p.Ser535fs (NM_001406795.1, NM_001406802.1); c.981_982dup, p.Ser328fs (NM_001406799.1, NM_001406806.1, NM_001406807.1); and 2 more; short protein forms S201fs, S328fs, S373fs, S404fs, S447fs, S477fs, S503fs, S505fs.
Identifiers: ClinVar variation 4071406 (VCV004071406.1).
Genomic context (GRCh38, chr2:47,799,484, plus strand): 5'-GCACGAGTGGAACAGACTGAGACTCCAGAAATGATGGAGGCACGATGTAGAAAGATGGCA[C>CAT]ATATATCCAAGTATGATAGAGTGGTGAGGAGGGAGATCTGTAGGATCATTACCAAGGGTA-3'

ClinVar aggregate classification (germline): Pathogenic (1 of 4 stars; one submission).

Conditions:
Lynch syndrome 5 (LYNCH5). Also called: Colorectal cancer, hereditary nonpolyposis, type 5; Hereditary non-polyposis colorectal cancer, type 5. Identifiers: Orphanet 144, MedGen C1833477, MONDO:0013710, OMIM 614350. Disease mechanism: loss of function.

Submission:

Myriad Genetics, Inc.
Classification: Pathogenic for Lynch syndrome 5. Last evaluated: 2025-06-11. Review status: criteria provided, single submitter. Criteria: Myriad Autosomal Dominant, Autosomal Recessive and X-Linked Classification Criteria (2023). Collection method: clinical testing. Allele origin: unknown.
Comment: This variant is considered pathogenic. This variant creates a frameshift predicted to result in premature protein truncation.